The following is an entry in ClinVar:

ClinVar aggregate classification (germline): Uncertain significance (1 of 4 stars; one submission).

Submission:

Labcorp Genetics (formerly Invitae), Labcorp
Classification: Uncertain significance. Last evaluated: 2022-07-21. Review status: criteria provided, single submitter. Criteria: Invitae Variant Classification Sherloc (09022015). Collection method: clinical testing. Allele origin: germline.
Comment: In summary, the available evidence is currently insufficient to determine the role of this variant in disease. Therefore, it has been classified as a Variant of Uncertain Significance. Algorithms developed to predict the effect of missense changes on protein structure and function are either unavailable or do not agree on the potential impact of this missense change (SIFT: "Tolerated"; PolyPhen-2: "Probably Damaging"; Align-GVGD: "Class C0"). This variant has not been reported in the literature in individuals affected with ASAH1-related conditions. This variant is not present in population databases (gnomAD no frequency). This sequence change replaces glycine, which is neutral and non-polar, with valine, which is neutral and non-polar, at codon 3 of the ASAH1 protein (p.Gly3Val).

NM_177924.5(ASAH1):c.8G>T (p.Gly3Val)

Genes: ASAH1 (N-acylsphingosine amidohydrolase 1; minus strand), LOC129999940 (ATAC-STARR-seq lymphoblastoid silent region 18966; plus strand). Cytogenetic location: 8p22.
Variant type: single nucleotide variant.
Coding change: c.8G>T on transcript NM_177924.5 (MANE Select); coding-DNA position 8, G replaced by T.
Protein change: p.Gly3Val; replaces glycine 3 with valine.
Molecular consequence: missense variant. On other transcripts: intron variant (2).
Genome position (GRCh38, 1-based): chr8:18,084,051, C>A on the plus strand (G>T on the coding strand, the complement: ASAH1 is on the minus strand). VCF-style: chr8-18084051-C-A. GRCh37 (hg19) VCF-style: chr8-17941560-C-A.
Other names: c.126+625G>T (NM_004315.6, NM_001127505.3); short protein forms G3V.
Identifiers: ClinVar variation 1722269 (VCV001722269.6), dbSNP rs1348114526, ClinGen allele CA370435914.
Genomic context (GRCh38, chr8:18,084,051, plus strand): 5'-TGCTGCGCGACGGCACAGCTGACGGCGGCAGCCAGGAGGACTAAGGCGACGCAACTCCGG[C>A]CCGGCATCGCTCTAGCAGCCAACGCCACTCCCCGGACTCCAGCAGAGGCAAAGAAGAGCC-3'
Protein context (NP_808592.2, residues 1-13): MP[Gly3Val]RSCVALVLLA